The following is an entry in ClinVar:

NM_002150.3(HPD):c.535del (p.Glu179fs)

Genes: TIALD (transcript inducer of AURKA lysosomal degradation; plus strand), HPD (4-hydroxyphenylpyruvate dioxygenase; minus strand). Cytogenetic location: 12q24.31.
Variant type: Deletion.
Coding change: c.535del on transcript NM_002150.3 (MANE Select); coding-DNA position 535, one base deleted (G; older notation c.535delG).
Protein change: p.Glu179fs; shifts the reading frame from glutamic acid 179.
Molecular consequence: frameshift variant.
Genome position (GRCh38, 1-based): chr12:121,849,060, C deleted on the plus strand (G on the coding strand, the reverse complement: HPD is on the minus strand); the first of 2 consecutive C bases (chr12:121,849,060-121,849,061); deleting either gives the same sequence. VCF-style (leftmost placement, unchanged base first): chr12-121849059-TC-T. GRCh37 (hg19) VCF-style: chr12-122286965-TC-T.
Other names: c.418del, p.Glu140fs (NM_001171993.2); short protein forms E140fs, E179fs.
Identifiers: ClinVar variation 3754946 (VCV003754946.2).

ClinVar aggregate classification (germline): Pathogenic (1 of 4 stars; one submission).

Conditions:
Hawkinsinuria. Identifiers: Orphanet 2118, MedGen C2931042, MONDO:0007700, OMIM 140350, HP:0034457.
Tyrosinemia type III. Also called: Tyrosinemia type 3; 4-alpha hydroxyphenylpyruvic acid oxidase deficiency; 4-alpha hydroxyphenylpyruvate dioxygenase deficiency; 4-Hydroxyphenylpyruvate dioxygenase deficiency; 4-HYDROXYPHENYLPYRUVIC ACID OXIDASE DEFICIENCY. Identifiers: Orphanet 69723, MedGen C0268623, MONDO:0010162, OMIM 276710.

Submission:

Labcorp Genetics (formerly Invitae), Labcorp
Classification: Pathogenic for Tyrosinemia type III; Hawkinsinuria. Last evaluated: 2024-02-25. Review status: criteria provided, single submitter. Criteria: Invitae Variant Classification Sherloc (09022015). Collection method: clinical testing. Allele origin: germline.
Comment: This sequence change creates a premature translational stop signal (p.Glu179Argfs*2) in the HPD gene. It is expected to result in an absent or disrupted protein product. Loss-of-function variants in HPD are known to be pathogenic (PMID: 10942115, 23036342). This variant is not present in population databases (gnomAD no frequency). This variant has not been reported in the literature in individuals affected with HPD-related conditions. For these reasons, this variant has been classified as Pathogenic.

Literature cited by the submitters: PubMed 10942115; PubMed 23036342.